The following is an entry in ClinVar:

NM_002890.3(RASA1):c.829-10T>A

Genes: CCNH (cyclin H; minus strand), RASA1 (RAS p21 protein activator 1; plus strand). Cytogenetic location: 5q14.3.
Variant type: single nucleotide variant.
Coding change: c.829-10T>A on transcript NM_002890.3 (MANE Select); 10 bases into the intron before coding-DNA position 829, T replaced by A.
Molecular consequence: intron variant.
Genome position (GRCh38, 1-based): chr5:87,333,257, T>A. VCF-style: chr5-87333257-T-A. GRCh37 (hg19) VCF-style: chr5-86629074-T-A.
Other names: c.298-10T>A (NM_022650.3); c.934-20462A>T (NM_001364075.2).
Identifiers: ClinVar variation 4735250 (VCV004735250.2).

ClinVar aggregate classification (germline): Uncertain significance. Review status: criteria provided, multiple submitters, no conflicts (2 of 4 stars). 2 submissions from 2 submitters: Uncertain significance (2). Last evaluated 2026-01-22.

Conditions:
Cardiovascular phenotype. Identifiers: MedGen CN230736.
Capillary malformation-arteriovenous malformation syndrome. Also called: Capillary malformation-arteriovenous malformation. Identifiers: Orphanet 137667, MedGen C1842180, MONDO:0012016.

Submissions (2):

Ambry Genetics
Classification: Uncertain significance for Cardiovascular phenotype. Last evaluated: 2026-01-22. Review status: criteria provided, single submitter. Criteria: Ambry Variant Classification Scheme 2023. Collection method: clinical testing. Allele origin: germline.
Comment: The c.829-10T>A intronic variant results from a T to A substitution 10 nucleotides before coding exon 4 in the RASA1 gene. This variant was reported in individual(s) with features consistent with RASA1-related capillary malformation-arteriovenous malformation syndrome (Ambry internal data). This nucleotide position is not well conserved in available vertebrate species. In silico splice site analysis predicts that this alteration will weaken the native splice acceptor site and will result in the creation or strengthening of a novel splice acceptor site. Based on the available evidence, the clinical significance of this variant remains unclear.

Labcorp Genetics (formerly Invitae), Labcorp
Classification: Uncertain significance for Capillary malformation-arteriovenous malformation syndrome. Last evaluated: 2026-01-12. Review status: criteria provided, single submitter. Criteria: Invitae Variant Classification Sherloc (09022015). Collection method: clinical testing. Allele origin: germline.
Comment: This sequence change falls in intron 3 of the RASA1 gene. It does not directly change the encoded amino acid sequence of the RASA1 protein. This variant is not present in population databases (gnomAD no frequency). This variant has not been reported in the literature in individuals affected with RASA1-related conditions. Algorithms developed to predict the effect of sequence changes on RNA splicing suggest that this variant may disrupt the consensus splice site. In summary, the available evidence is currently insufficient to determine the role of this variant in disease. Therefore, it has been classified as a Variant of Uncertain Significance.